The following is an entry in ClinVar:

NM_000256.3(MYBPC3):c.2967_2975del (p.Glu989_Asn992delinsAsp)

Gene: MYBPC3 (myosin binding protein C3; minus strand). Cytogenetic location: 11p11.2.
Variant type: Deletion.
Coding change: c.2967_2975del on transcript NM_000256.3 (MANE Select); coding-DNA positions 2967 to 2975, 9 bases deleted (GCCTGTGAA; older notation c.2967_2975delGCCTGTGAA).
Protein change: p.Glu989_Asn992delinsAsp.
Molecular consequence: inframe indel.
Genome position (GRCh38, 1-based): chr11:47,333,941-47,333,949, TTCACAGGC deleted on the plus strand (GCCTGTGAA on the coding strand, the reverse complement: MYBPC3 is on the minus strand); deleting any 9 consecutive bases within chr11:47,333,941-47,333,950 gives the same sequence; the c. name uses the placement nearest the transcript's 3' end. VCF-style (leftmost placement, unchanged base first): chr11-47333940-GTTCACAGGC-G. GRCh37 (hg19) VCF-style: chr11-47355491-GTTCACAGGC-G.
Identifiers: ClinVar variation 3661347 (VCV003661347.2).
Genomic context (GRCh38, chr11:47,333,940, plus strand): 5'-AGCCTCTCTCCCCTGGGGGACAGGGAAGGGGGCCAGTCCCACCTGGAAAGGGATGAGAAG[GTTCACAGGC>G]TCCCCGACCTTCTTCTGAATGGTCTGGCGCAGGTGCCTGGGCAGCTGAAGCCGTGGCCGT-3'

ClinVar aggregate classification (germline): Uncertain significance (1 of 4 stars; one submission).

Conditions:
Hypertrophic cardiomyopathy. Also called: HYPERTROPHIC MYOCARDIOPATHY. Identifiers: Orphanet 217569, MedGen C0007194, MeSH D002312, MONDO:0005045, HP:0001639.

Submission:

Labcorp Genetics (formerly Invitae), Labcorp
Classification: Uncertain significance for Hypertrophic cardiomyopathy. Last evaluated: 2024-08-04. Review status: criteria provided, single submitter. Criteria: Invitae Variant Classification Sherloc (09022015). Collection method: clinical testing. Allele origin: germline.
Comment: This variant, c.2967_2975del, is a complex sequence change that results in the deletion of 4 and insertion of 1 amino acid(s) in the MYBPC3 protein (p.Glu989_Asn992delinsAsp). This variant is not present in population databases (gnomAD no frequency). This variant has not been reported in the literature in individuals affected with MYBPC3-related conditions. Experimental studies and prediction algorithms are not available or were not evaluated, and the functional significance of this variant is currently unknown. In summary, the available evidence is currently insufficient to determine the role of this variant in disease. Therefore, it has been classified as a Variant of Uncertain Significance.